The following is an entry in ClinVar:

ClinVar aggregate classification (germline): Uncertain significance. Review status: criteria provided, multiple submitters, no conflicts (2 of 4 stars). 2 submissions from 2 submitters: Uncertain significance (2). Last evaluated 2024-04-15.

Conditions:
Hereditary cancer-predisposing syndrome. Also called: Neoplastic Syndromes, Hereditary; Tumor predisposition; Hereditary neoplastic syndrome; Hereditary Cancer Syndrome. Identifiers: Orphanet 140162, MedGen C0027672, MeSH D009386, MONDO:0015356.

gnomAD v4.1: 1 of 1,614,198 alleles (0.000062%); highest among the groups gnomAD compares: Non-Finnish European, 0.000085%; no homozygotes.

Submissions (2):

Labcorp Genetics (formerly Invitae), Labcorp
Classification: Uncertain significance. Last evaluated: 2024-04-15. Review status: criteria provided, single submitter. Criteria: Invitae Variant Classification Sherloc (09022015). Collection method: clinical testing. Allele origin: germline.
Comment: This sequence change replaces glutamic acid, which is acidic and polar, with glutamine, which is neutral and polar, at codon 184 of the SMARCB1 protein (p.Glu184Gln). This variant is not present in population databases (gnomAD no frequency). This variant has not been reported in the literature in individuals affected with SMARCB1-related conditions. Advanced modeling of protein sequence and biophysical properties (such as structural, functional, and spatial information, amino acid conservation, physicochemical variation, residue mobility, and thermodynamic stability) has been performed at Invitae for this missense variant, however the output from this modeling did not meet the statistical confidence thresholds required to predict the impact of this variant on SMARCB1 protein function. In summary, the available evidence is currently insufficient to determine the role of this variant in disease. Therefore, it has been classified as a Variant of Uncertain Significance.

Ambry Genetics
Classification: Uncertain significance for Hereditary cancer-predisposing syndrome. Last evaluated: 2024-04-05. Review status: criteria provided, single submitter. Criteria: Ambry Variant Classification Scheme 2023. Collection method: clinical testing. Allele origin: germline.
Comment: The p.E184Q variant (also known as c.550G>C), located in coding exon 5 of the SMARCB1 gene, results from a G to C substitution at nucleotide position 550. The glutamic acid at codon 184 is replaced by glutamine, an amino acid with highly similar properties. This amino acid position is highly conserved in available vertebrate species. In addition, the in silico prediction for this alteration is inconclusive. Based on the available evidence, the clinical significance of this variant remains unclear.

NM_003073.5(SMARCB1):c.550G>C (p.Glu184Gln)

Gene: SMARCB1 (SWI/SNF related BAF chromatin remodeling complex subunit B1; plus strand). Cytogenetic location: 22q11.23.
Variant type: single nucleotide variant.
Coding change: c.550G>C on transcript NM_003073.5 (MANE Select); coding-DNA position 550, G replaced by C.
Protein change: p.Glu184Gln; replaces glutamic acid 184 with glutamine.
Molecular consequence: missense variant.
Genome position (GRCh38, 1-based): chr22:23,803,344, G>C. VCF-style: chr22-23803344-G-C. GRCh37 (hg19) VCF-style: chr22-24145531-G-C.
Other names: c.523G>C, p.Glu175Gln (NM_001007468.3); c.577G>C, p.Glu193Gln (NM_001317946.2); c.604G>C, p.Glu202Gln (NM_001362877.2); short protein forms E193Q, E184Q, E202Q, E175Q.
Identifiers: ClinVar variation 3320800 (VCV003320800.3).